The following is an entry in ClinVar:

NM_019066.5(MAGEL2):c.1794C>G (p.His598Gln)

Gene: MAGEL2 (MAGE family member L2; minus strand). Cytogenetic location: 15q11.2.
Variant type: single nucleotide variant.
Coding change: c.1794C>G on transcript NM_019066.5 (MANE Select); coding-DNA position 1794, C replaced by G.
Protein change: p.His598Gln; replaces histidine 598 with glutamine.
Molecular consequence: missense variant.
Genome position (GRCh38, 1-based): chr15:23,645,949, G>C on the plus strand (C>G on the coding strand, the complement: MAGEL2 is on the minus strand). VCF-style: chr15-23645949-G-C. GRCh37 (hg19) VCF-style: chr15-23891096-G-C.
Other names: short protein forms H598Q.
Identifiers: ClinVar variation 1911955 (VCV001911955.5), dbSNP rs777081501, ClinGen allele CA7430020.

ClinVar aggregate classification (germline): Uncertain significance (1 of 4 stars; one submission).

Allele frequency attached by ClinVar (database versions not stated): TOPMed 0.00001.

Submission:

Labcorp Genetics (formerly Invitae), Labcorp
Classification: Uncertain significance. Last evaluated: 2023-04-18. Review status: criteria provided, single submitter. Criteria: Invitae Variant Classification Sherloc (09022015). Collection method: clinical testing. Allele origin: germline.
Comment: In summary, the available evidence is currently insufficient to determine the role of this variant in disease. Therefore, it has been classified as a Variant of Uncertain Significance. Advanced modeling of protein sequence and biophysical properties (such as structural, functional, and spatial information, amino acid conservation, physicochemical variation, residue mobility, and thermodynamic stability) performed at Invitae indicates that this missense variant is not expected to disrupt MAGEL2 protein function. ClinVar contains an entry for this variant (Variation ID: 1911955). This variant has not been reported in the literature in individuals affected with MAGEL2-related conditions. This variant is not present in population databases (gnomAD no frequency). This sequence change replaces histidine, which is basic and polar, with glutamine, which is neutral and polar, at codon 598 of the MAGEL2 protein (p.His598Gln).